The following is an entry in ClinVar:

NM_014362.4(HIBCH):c.917C>T (p.Ser306Phe)

Gene: HIBCH (3-hydroxyisobutyryl-CoA hydrolase; minus strand). Cytogenetic location: 2q32.2.
Variant type: single nucleotide variant.
Coding change: c.917C>T on transcript NM_014362.4 (MANE Select); coding-DNA position 917, C replaced by T.
Protein change: p.Ser306Phe; replaces serine 306 with phenylalanine.
Molecular consequence: missense variant.
Genome position (GRCh38, 1-based): chr2:190,213,050, G>A on the plus strand (C>T on the coding strand, the complement: HIBCH is on the minus strand). VCF-style: chr2-190213050-G-A. GRCh37 (hg19) VCF-style: chr2-191077776-G-A.
Other names: c.917C>T, p.Ser306Phe (NM_198047.3); short protein forms S306F.
Identifiers: ClinVar variation 1690654 (VCV001690654.2), dbSNP rs2105901918, ClinGen allele CA349894384.

ClinVar aggregate classification (germline): Uncertain significance (1 of 4 stars; one submission).

Allele frequency attached by ClinVar (database versions not stated): gnomAD exomes below 0.00001.
gnomAD v4.1: 1 of 1,608,352 alleles (0.000062%); highest among the groups gnomAD compares: African/African-American, 0.0013%; no homozygotes.

Submission:

Laboratorio de Genetica e Diagnostico Molecular, Hospital Israelita Albert Einstein
Classification: Uncertain significance. Last evaluated: 2019-06-20. Review status: criteria provided, single submitter. Criteria: ACMG Guidelines, 2015. Collection method: clinical testing. Allele origin: germline. Affected: yes.
Comment: ACMG classification criteria: PM2, PP3